The following is an entry in ClinVar:

ClinVar aggregate classification (germline): Uncertain significance. Review status: criteria provided, multiple submitters, no conflicts (2 of 4 stars). 3 submissions from 3 submitters: Uncertain significance (3). Last evaluated 2026-08-01.

Conditions:
Immunodeficiency 132A. Also called: Herpes simplex encephalitis, susceptibility to, 3. Identifiers: Orphanet 1930, MedGen C3553868, MONDO:0013920, OMIM 614849.

Allele frequency attached by ClinVar (database versions not stated): gnomAD exomes 0.00001 and 0.00004; TOPMed 0.00002; ExAC 0.00003; gnomAD 0.00001.
gnomAD v4.1: 11 of 1,612,398 alleles (0.00068%); highest among the groups gnomAD compares: Admixed American, 0.017%; no homozygotes.

Submissions (3):

CeGaT Center for Human Genetics Tuebingen
Classification: Uncertain significance. Last evaluated: 2026-08-01. Review status: criteria provided, single submitter. Criteria: CeGaT Center For Human Genetics Tuebingen Variant Classification Criteria Version 2. Collection method: clinical testing. Allele origin: germline. Affected: yes. Observed: 1 variant allele.

Labcorp Genetics (formerly Invitae), Labcorp
Classification: Uncertain significance for Immunodeficiency 132A. Last evaluated: 2025-09-06. Review status: criteria provided, single submitter. Criteria: Invitae Variant Classification Sherloc (09022015). Collection method: clinical testing. Allele origin: germline.
Comment: This sequence change replaces serine, which is neutral and polar, with asparagine, which is neutral and polar, at codon 209 of the TRAF3 protein (p.Ser209Asn). This variant is present in population databases (rs199989168, gnomAD 0.03%). This variant has not been reported in the literature in individuals affected with TRAF3-related conditions. ClinVar contains an entry for this variant (Variation ID: 1377442). An algorithm developed to predict the effect of missense changes on protein structure and function (PolyPhen-2) suggests that this variant is likely to be tolerated. In summary, the available evidence is currently insufficient to determine the role of this variant in disease. Therefore, it has been classified as a Variant of Uncertain Significance.

Ambry Genetics
Classification: Uncertain significance. Last evaluated: 2021-12-17. Review status: criteria provided, single submitter. Criteria: Ambry Variant Classification Scheme 2023. Collection method: clinical testing. Allele origin: germline.

NM_145725.3(TRAF3):c.626G>A (p.Ser209Asn)

Genes: TRAF3 (TNF receptor associated factor 3; plus strand), LOC126862065 (BRD4-independent group 4 enhancer GRCh37_chr14:103352003-103353202; plus strand). Cytogenetic location: 14q32.32.
Variant type: single nucleotide variant.
Coding change: c.626G>A on transcript NM_145725.3 (MANE Select); coding-DNA position 626, G replaced by A.
Protein change: p.Ser209Asn; replaces serine 209 with asparagine.
Molecular consequence: missense variant. On other transcripts: intron variant (2).
Genome position (GRCh38, 1-based): chr14:102,886,244, G>A. VCF-style: chr14-102886244-G-A. GRCh37 (hg19) VCF-style: chr14-103352581-G-A.
Other names: c.626G>A, p.Ser209Asn (NM_001385142.1, NM_003300.4, NM_145726.3); c.571-3316G>A (NM_001385143.1); c.570+9719G>A (NM_001199427.2); c.626G>A (NM_003300.3); short protein forms S209N.
Identifiers: ClinVar variation 1377442 (VCV001377442.10), dbSNP rs199989168, ClinGen allele CA7359325.